The following is an entry in ClinVar:

ClinVar aggregate classification (germline): Uncertain significance. Review status: criteria provided, multiple submitters, no conflicts (2 of 4 stars). 2 submissions from 2 submitters: Uncertain significance (2). Last evaluated 2025-04-20.

Conditions:
Inborn genetic diseases. Identifiers: MedGen C0950123, MeSH D030342.
Developmental and epileptic encephalopathy, 53. Also called: Epileptic encephalopathy, early infantile, 53. Identifiers: MedGen C4479313, MONDO:0033362, OMIM 617389.
Early-onset Parkinson disease 20. Also called: PARKINSON DISEASE 20, AUTOSOMAL RECESSIVE EARLY-ONSET. Identifiers: Orphanet 391411, MedGen C3809824, MONDO:0014233, OMIM 615530.

Allele frequency attached by ClinVar (database versions not stated): gnomAD exomes below 0.00001; ExAC 0.00001.
gnomAD v4.1: 2 of 1,614,116 alleles (0.00012%); highest among the groups gnomAD compares: Admixed American, 0.0017%; no homozygotes.

Submissions (2):

Ambry Genetics
Classification: Uncertain significance for Inborn genetic diseases. Last evaluated: 2025-04-20. Review status: criteria provided, single submitter. Criteria: Ambry Variant Classification Scheme 2023. Collection method: clinical testing. Allele origin: germline.

Labcorp Genetics (formerly Invitae), Labcorp
Classification: Uncertain significance for Developmental and epileptic encephalopathy, 53; Early-onset Parkinson disease 20. Last evaluated: 2021-09-26. Review status: criteria provided, single submitter. Criteria: Invitae Variant Classification Sherloc (09022015). Collection method: clinical testing. Allele origin: germline.
Comment: In summary, the available evidence is currently insufficient to determine the role of this variant in disease. Therefore, it has been classified as a Variant of Uncertain Significance. Algorithms developed to predict the effect of missense changes on protein structure and function are either unavailable or do not agree on the potential impact of this missense change (SIFT: "Deleterious"; PolyPhen-2: "Probably Damaging"; Align-GVGD: "Class C0"). This variant has not been reported in the literature in individuals with SYNJ1-related conditions. The frequency data for this variant in the population databases is considered unreliable, as metrics indicate poor data quality at this position in the ExAC database. This sequence change replaces serine with asparagine at codon 721 of the SYNJ1 protein (p.Ser721Asn). The serine residue is highly conserved and there is a small physicochemical difference between serine and asparagine.

NM_203446.3(SYNJ1):c.2045G>A (p.Ser682Asn)

Gene: SYNJ1 (synaptojanin 1; minus strand). Cytogenetic location: 21q22.11.
Variant type: single nucleotide variant.
Coding change: c.2045G>A on transcript NM_203446.3 (MANE Select); coding-DNA position 2045, G replaced by A.
Protein change: p.Ser682Asn; replaces serine 682 with asparagine.
Molecular consequence: missense variant.
Genome position (GRCh38, 1-based): chr21:32,666,043, C>T on the plus strand (G>A on the coding strand, the complement: SYNJ1 is on the minus strand). VCF-style: chr21-32666043-C-T. GRCh37 (hg19) VCF-style: chr21-34038353-C-T.
Other names: c.2045G>A, p.Ser682Asn (NM_001160302.2); c.2030G>A, p.Ser677Asn (NM_001160306.2); c.2162G>A, p.Ser721Asn (NM_003895.4); short protein forms S677N, S682N, S721N.
Identifiers: ClinVar variation 1516244 (VCV001516244.7), dbSNP rs754395543, ClinGen allele CA10003751.